The following is an entry in ClinVar:

NM_003638.3(ITGA8):c.2546G>A (p.Arg849Gln)

Gene: ITGA8 (integrin subunit alpha 8; minus strand). Cytogenetic location: 10p13.
Variant type: single nucleotide variant.
Coding change: c.2546G>A on transcript NM_003638.3 (MANE Select); coding-DNA position 2546, G replaced by A.
Protein change: p.Arg849Gln; replaces arginine 849 with glutamine.
Molecular consequence: missense variant.
Genome position (GRCh38, 1-based): chr10:15,572,302, C>T on the plus strand (G>A on the coding strand, the complement: ITGA8 is on the minus strand). VCF-style: chr10-15572302-C-T. GRCh37 (hg19) VCF-style: chr10-15614301-C-T.
Other names: c.2501G>A, p.Arg834Gln (NM_001291494.2); short protein forms R834Q, R849Q.
Identifiers: ClinVar variation 2166528 (VCV002166528.4), dbSNP rs566439105, ClinGen allele CA5419807.

ClinVar aggregate classification (germline): Uncertain significance (1 of 4 stars; one submission).

Allele frequency attached by ClinVar (database versions not stated): gnomAD 0.00002; ExAC 0.00007; TOPMed 0.00007; 1000 Genomes Project 30x 0.00016; 1000 Genomes Project 0.00020.
gnomAD v4.1: 41 of 1,613,828 alleles (0.0025%); highest among the groups gnomAD compares: Admixed American, 0.045%; no homozygotes.

Submission:

Labcorp Genetics (formerly Invitae), Labcorp
Classification: Uncertain significance. Last evaluated: 2025-07-31. Review status: criteria provided, single submitter. Criteria: Invitae Variant Classification Sherloc (09022015). Collection method: clinical testing. Allele origin: germline.
Comment: This sequence change replaces arginine, which is basic and polar, with glutamine, which is neutral and polar, at codon 849 of the ITGA8 protein (p.Arg849Gln). This variant is present in population databases (rs566439105, gnomAD 0.07%). This variant has not been reported in the literature in individuals affected with ITGA8-related conditions. ClinVar contains an entry for this variant (Variation ID: 2166528). An algorithm developed to predict the effect of missense changes on protein structure and function (PolyPhen-2) suggests that this variant is likely to be tolerated. In summary, the available evidence is currently insufficient to determine the role of this variant in disease. Therefore, it has been classified as a Variant of Uncertain Significance.